The following is an entry in ClinVar:

ClinVar aggregate classification (germline): Benign (1 of 4 stars; one submission).

Conditions:
Growth delay due to insulin-like growth factor I resistance. Also called: Somatomedin end-organ insensitivity to; Somatomedin-c resistance to; IGF-1 resistance; IGF-I RESISTANCE; Insulin-Like Growth Factor I Resistance. Identifiers: Orphanet 73273, MedGen C1849157, MONDO:0010038, OMIM 270450.

Allele frequency attached by ClinVar (database versions not stated): TOPMed 0.00377; 1000 Genomes Project 30x 0.00437; 1000 Genomes Project 0.00479; gnomAD 0.00822 and 0.00853.
gnomAD v4.1: 1,572 of 233,582 alleles (0.67%); highest among the groups gnomAD compares: Non-Finnish European, 0.59%; 30 homozygotes.

Submission:

Illumina Laboratory Services, Illumina
Classification: Benign for Growth delay due to insulin-like growth factor I resistance. Last evaluated: 2018-01-13. Review status: criteria provided, single submitter. Criteria: ICSL Variant Classification Criteria 13 December 2019. Collection method: clinical testing. Allele origin: germline.
Comment: This variant was observed in the ICSL laboratory as part of a predisposition screen in an ostensibly healthy population. It had not been previously curated by ICSL or reported in the Human Gene Mutation Database (HGMD: prior to June 1st, 2018), and was therefore a candidate for classification through an automated scoring system. Utilizing variant allele frequency, disease prevalence and penetrance estimates, and inheritance mode, an automated score was calculated to assess if this variant is too frequent to cause the disease. Based on the score and internal cut-off values, a variant classified as benign is not then subjected to further curation. The score for this variant resulted in a classification of benign for this disease.

NM_000875.5(IGF1R):c.*5570C>T

Gene: IGF1R (insulin like growth factor 1 receptor; plus strand). Cytogenetic location: 15q26.3.
Variant type: single nucleotide variant.
Coding change: c.*5570C>T on transcript NM_000875.5 (MANE Select); 5570 bases downstream of the stop codon, C replaced by T.
Molecular consequence: 3 prime UTR variant.
Genome position (GRCh38, 1-based): chr15:98,963,012, C>T. VCF-style: chr15-98963012-C-T. GRCh37 (hg19) VCF-style: chr15-99506241-C-T.
Other names: c.*5570C>T (NM_001291858.2).
Identifiers: ClinVar variation 317609 (VCV000317609.5), dbSNP rs116922843, ClinGen allele CA10642782.